The following is an entry in ClinVar:

NM_020247.5(COQ8A):c.1215G>C (p.Glu405Asp)

Gene: COQ8A (coenzyme Q8A; plus strand). Cytogenetic location: 1q42.13.
Variant type: single nucleotide variant.
Coding change: c.1215G>C on transcript NM_020247.5 (MANE Select); coding-DNA position 1215, G replaced by C.
Protein change: p.Glu405Asp; replaces glutamic acid 405 with aspartic acid.
Molecular consequence: missense variant.
Genome position (GRCh38, 1-based): chr1:226,983,813, G>C. VCF-style: chr1-226983813-G-C. GRCh37 (hg19) VCF-style: chr1-227171514-G-C.
Other names: short protein forms E405D.
Identifiers: ClinVar variation 2008445 (VCV002008445.4), dbSNP rs149048093, ClinGen allele CA345054245.

ClinVar aggregate classification (germline): Uncertain significance (1 of 4 stars; one submission).

gnomAD v4.1: 1 of 1,612,398 alleles (0.000062%); highest among the groups gnomAD compares: Non-Finnish European, 0.000085%; no homozygotes.

Submission:

Labcorp Genetics (formerly Invitae), Labcorp
Classification: Uncertain significance. Last evaluated: 2024-02-24. Review status: criteria provided, single submitter. Criteria: Invitae Variant Classification Sherloc (09022015). Collection method: clinical testing. Allele origin: germline.
Comment: This sequence change replaces glutamic acid, which is acidic and polar, with aspartic acid, which is acidic and polar, at codon 405 of the COQ8A protein (p.Glu405Asp). This variant is not present in population databases (gnomAD no frequency). This variant has not been reported in the literature in individuals affected with COQ8A-related conditions. ClinVar contains an entry for this variant (Variation ID: 2008445). Advanced modeling of protein sequence and biophysical properties (such as structural, functional, and spatial information, amino acid conservation, physicochemical variation, residue mobility, and thermodynamic stability) has been performed at Invitae for this missense variant, however the output from this modeling did not meet the statistical confidence thresholds required to predict the impact of this variant on COQ8A protein function. In summary, the available evidence is currently insufficient to determine the role of this variant in disease. Therefore, it has been classified as a Variant of Uncertain Significance.